The following is an entry in ClinVar:

ClinVar aggregate classification (germline): Pathogenic (1 of 4 stars; one submission).

Allele frequency attached by ClinVar (database versions not stated): gnomAD exomes 0.00001.
gnomAD v4.1: 8 of 1,613,484 alleles (0.0005%); highest among the groups gnomAD compares: Non-Finnish European, 0.00068%; no homozygotes.

Submission:

Labcorp Genetics (formerly Invitae), Labcorp
Classification: Pathogenic. Last evaluated: 2023-06-03. Review status: criteria provided, single submitter. Criteria: Invitae Variant Classification Sherloc (09022015). Collection method: clinical testing. Allele origin: germline.
Comment: This sequence change creates a premature translational stop signal (p.Glu352*) in the COL4A3 gene. It is expected to result in an absent or disrupted protein product. Loss-of-function variants in COL4A3 are known to be pathogenic (PMID: 8956999, 24854265, 26809805, 27281700). This variant is not present in population databases (gnomAD no frequency). This variant has not been reported in the literature in individuals affected with COL4A3-related conditions. ClinVar contains an entry for this variant (Variation ID: 1438762). For these reasons, this variant has been classified as Pathogenic.

Literature cited by the submitters: PubMed 8956999; PubMed 24854265; PubMed 26809805; PubMed 27281700.

NM_000091.5(COL4A3):c.1054G>T (p.Glu352Ter)

Genes: COL4A3 (collagen type IV alpha 3 chain; plus strand), MFF-DT (MFF divergent transcript; minus strand). Cytogenetic location: 2q36.3.
Variant type: single nucleotide variant.
Coding change: c.1054G>T on transcript NM_000091.5 (MANE Select); coding-DNA position 1054, G replaced by T.
Protein change: p.Glu352Ter; replaces glutamic acid 352 with a stop codon.
Molecular consequence: nonsense.
Genome position (GRCh38, 1-based): chr2:227,259,817, G>T. VCF-style: chr2-227259817-G-T. GRCh37 (hg19) VCF-style: chr2-228124533-G-T.
Other names: short protein forms E352*.
Identifiers: ClinVar variation 1438762 (VCV001438762.6), dbSNP rs937387158, ClinGen allele CA66628748.